The following is an entry in ClinVar:

NM_021954.4(GJA3):c.1168_1175delinsCAGCAGTCTGGCAGGGGAGCGCCCTGGCAG (p.Thr390fs)

Gene: GJA3 (gap junction protein alpha 3; minus strand). Cytogenetic location: 13q12.11.
Variant type: Indel.
Coding change: c.1168_1175delinsCAGCAGTCTGGCAGGGGAGCGCCCTGGCAG on transcript NM_021954.4 (MANE Select); coding-DNA positions 1168 to 1175, ACCCCCGA replaced by CAGCAGTCTGGCAGGGGAGCGCCCTGGCAG.
Protein change: p.Thr390fs; shifts the reading frame from threonine 390.
Molecular consequence: frameshift variant.
Genome position (GRCh38, 1-based): chr13:20,142,114-20,142,121, TCGGGGGT replaced by CTGCCAGGGCGCTCCCCTGCCAGACTGCTG on the plus strand (ACCCCCGA replaced by CAGCAGTCTGGCAGGGGAGCGCCCTGGCAG on the coding strand, the reverse complement: GJA3 is on the minus strand). GRCh37 (hg19): chr13:20,716,253-20,716,260.
Other names: short protein forms T390fs.
Identifiers: ClinVar variation 4531449 (VCV004531449.1).

ClinVar aggregate classification (germline): Likely pathogenic (1 of 4 stars; one submission).

Conditions:
Cataract 14 multiple types. Also called: CATARACT 14, ZONULAR PULVERULENT; CATARACT 14, NUCLEAR PULVERULENT; CATARACT 14, NUCLEAR PULVERULENT AND POSTERIOR POLAR; CATARACT 14, NUCLEAR CORALLIFORM; CATARACT 14, EMBRYONAL NUCLEAR; CATARACT 14, COPPOCK-LIKE. Identifiers: Orphanet 91492, MedGen C1866078, MONDO:0011162, OMIM 601885.

Submission:

Victorian Clinical Genetics Services, Murdoch Childrens Research Institute
Classification: Likely pathogenic for Cataract 14 multiple types. Last evaluated: 2025-02-04. Review status: criteria provided, single submitter. Criteria: ACMG Guidelines, 2015. Collection method: clinical testing. Allele origin: germline. Affected: yes.
Comment: This variant is classified as Likely pathogenic. Evidence in support of pathogenic classification: Variant is predicted to result in an elongated protein; Variant is absent from gnomAD (v2, v3 and v4); Other elongation variant(s) comparable to the one identified in this case have moderate previous evidence for pathogenicity. Two downstream elongation variants have been reported in the literature in families with autosomal dominant cataracts (PMIDs: 23592915, 28546921). Additional information: This variant is heterozygous; This gene is associated with autosomal dominant disease. However, autosomal recessive inheritance has been observed in a small number of families (PMIDs: 35008666, 29461512); This variant has no previous evidence of pathogenicity; No published segregation evidence has been identified for this variant; No published functional evidence has been identified for this variant; The mechanism of disease for this gene is not clearly established. Dominant negative is the likely mechanism associated with cataract 14, multiple types (MIM#601885; PMID: 28877251); The condition associated with this gene has incomplete penetrance. Pathogenic variants have been observed in unaffected individuals within the same family (PMID: 15286166); Inheritance information for this variant is not currently available in this individual.

Literature cited by the submitters: PubMed 35008666; PubMed 29461512; PubMed 23592915; PubMed 28877251; PubMed 28546921; PubMed 15286166.